The following is an entry in ClinVar:

NM_001111125.3(IQSEC2):c.4033C>T (p.Arg1345Trp)

Gene: IQSEC2 (IQ motif and Sec7 domain ArfGEF 2; minus strand). Cytogenetic location: Xp11.22.
Variant type: single nucleotide variant.
Coding change: c.4033C>T on transcript NM_001111125.3 (MANE Select); coding-DNA position 4033, C replaced by T.
Protein change: p.Arg1345Trp; replaces arginine 1345 with tryptophan.
Molecular consequence: missense variant. On other transcripts: 3 prime UTR variant (1).
Genome position (GRCh38, 1-based): chrX:53,234,653, G>A on the plus strand (C>T on the coding strand, the complement: IQSEC2 is on the minus strand). VCF-style: chrX-53234653-G-A. GRCh37 (hg19) VCF-style: chrX-53263835-G-A.
Other names: c.*518C>T (NM_015075.2); short protein forms R1345W.
Identifiers: ClinVar variation 639819 (VCV000639819.9), dbSNP rs1333401052, ClinGen allele CA413139755.

ClinVar aggregate classification (germline): Uncertain significance (1 of 4 stars; one submission).

Conditions:
Intellectual developmental disorder, X-linked 1. Also called: MENTAL RETARDATION, X-LINKED 18; MENTAL RETARDATION, X-LINKED 78; Atkin Flaitz Patil Smith syndrome; Intellectual disability, X-linked 1. Identifiers: Orphanet 777, MedGen C2931498, MONDO:0010656, OMIM 309530.

Allele frequency attached by ClinVar (database versions not stated): gnomAD exomes below 0.00001; 1000 Genomes Project 30x 0.00021; gnomAD 0.00001; TOPMed 0.00001.
gnomAD v4.1: 2 of 1,136,999 alleles (0.00018%); highest among the groups gnomAD compares: East Asian, 0.0033%; no homozygotes.

Submission:

Labcorp Genetics (formerly Invitae), Labcorp
Classification: Uncertain significance for Intellectual developmental disorder, X-linked 1. Last evaluated: 2025-04-09. Review status: criteria provided, single submitter. Criteria: Invitae Variant Classification Sherloc (09022015). Collection method: clinical testing. Allele origin: germline.
Comment: This sequence change replaces arginine, which is basic and polar, with tryptophan, which is neutral and slightly polar, at codon 1345 of the IQSEC2 protein (p.Arg1345Trp). This variant is not present in population databases (gnomAD no frequency). This variant has not been reported in the literature in individuals affected with IQSEC2-related conditions. ClinVar contains an entry for this variant (Variation ID: 639819). Invitae Evidence Modeling of protein sequence and biophysical properties (such as structural, functional, and spatial information, amino acid conservation, physicochemical variation, residue mobility, and thermodynamic stability) indicates that this missense variant is not expected to disrupt IQSEC2 protein function with a negative predictive value of 95%. In summary, the available evidence is currently insufficient to determine the role of this variant in disease. Therefore, it has been classified as a Variant of Uncertain Significance.